The following is an entry in ClinVar:

ClinVar aggregate classification (germline): Pathogenic. Review status: criteria provided, multiple submitters, no conflicts (2 of 4 stars). 2 submissions from 2 submitters: Pathogenic (2). Last evaluated 2025-09-03.

Conditions:
Polycystic kidney disease, adult type (PKD1). Also called: Polycystic Kidney, Autosomal Dominant; POLYCYSTIC KIDNEY DISEASE, ADULT, TYPE I; Polycystic Kidney Disease 1, Autosomal Dominant; Polycystic kidney disease 1; Polycystic kidney disease 1, severe; POLYCYSTIC KIDNEY DISEASE 1 WITH OR WITHOUT POLYCYSTIC LIVER DISEASE. Identifiers: MedGen C3149841, MONDO:0008263, OMIM 173900.

Submissions (2):

The Genetics Institute, Rambam Health Care Campus
Classification: Pathogenic for Polycystic kidney disease, adult type. Last evaluated: 2025-09-03. Review status: criteria provided, single submitter. Criteria: ACMG Guidelines, 2015. Collection method: clinical testing. Allele origin: unknown. Affected: yes. Observed: 6 variant alleles. Clinical features observed: Nephrocalcinosis (HP:0000121), Polycystic kidney disease (HP:0000113).
Comment: [PVS1, PM2_s, PP4, PS4_m]. NM_001009944.3(PKD1):c.1597C>T ;p.(Gln533*) is a nonsense variant in exon 7 out of 46 which is expected to result in an absent or disrupted protein product. Truncating variants are known to cause disease in this gene (PMID: 22508176). This is a rare variant that has not been reported in the general population databases gnomADv2.1, and has not been reported in ClinVar. The change has been reported twice in the ADPKD database (Mayo Clinic) and classified as pathogenic, and has also been reported in the literature in patients (PMID: 29590654,22508176). Based on the above information, the variant is classified as pathogenic according to ACMG2015/ClinGen guidelines

GeneDx
Classification: Pathogenic. Last evaluated: 2025-06-17. Review status: criteria provided, single submitter. Criteria: GeneDx Variant Classification Process June 2021. Collection method: clinical testing. Allele origin: germline. Affected: yes.
Comment: Nonsense variant predicted to result in protein truncation or nonsense mediated decay in a gene for which loss of function is a known mechanism of disease; Not observed at significant frequency in large population cohorts (gnomAD); This variant is associated with the following publications: (PMID: 22508176, 29590654, 29121521)

Literature cited by the submitters: PubMed 22508176 (cited by The Genetics Institute, Rambam Health Care Campus); PubMed 29590654 (cited by The Genetics Institute, Rambam Health Care Campus).

NM_001009944.3(PKD1):c.1597C>T (p.Gln533Ter)

Gene: PKD1 (polycystin 1, transient receptor potential channel interacting; minus strand). Cytogenetic location: 16p13.3.
Variant type: single nucleotide variant.
Coding change: c.1597C>T on transcript NM_001009944.3 (MANE Select); coding-DNA position 1597, C replaced by T.
Protein change: p.Gln533Ter; replaces glutamine 533 with a stop codon.
Molecular consequence: nonsense.
Genome position (GRCh38, 1-based): chr16:2,116,842, G>A on the plus strand (C>T on the coding strand, the complement: PKD1 is on the minus strand). VCF-style: chr16-2116842-G-A. GRCh37 (hg19) VCF-style: chr16-2166843-G-A.
Other names: c.1597C>T, p.Gln533Ter (NM_000296.4); short protein forms Q533*.
Identifiers: ClinVar variation 4532192 (VCV004532192.2).
Genomic context (GRCh38, chr16:2,116,842, plus strand): 5'-GGCCCCTAACCACAGCCAGCGTCTCAGGCCCCTGCCTGGCCCCCCGCACACCTCCGGGCT[G>A]CAGCTCGCAGACGTAGCTGTGCGGCGCTGAGCACAGGTCGGTGTTACACCACCCGGTGGG-3'